The following is an entry in ClinVar:

NM_000405.5(GM2A):c.278_279delinsGT (p.Leu93Arg)

Gene: GM2A (ganglioside GM2 activator; plus strand). Cytogenetic location: 5q33.1.
Variant type: Indel.
Coding change: c.278_279delinsGT on transcript NM_000405.5 (MANE Select); coding-DNA positions 278 to 279, TC replaced by GT.
Protein change: p.Leu93Arg; replaces leucine 93 with arginine.
Molecular consequence: missense variant.
Genome position (GRCh38, 1-based): chr5:151,266,765-151,266,766, TC replaced by GT. VCF-style: chr5-151266765-TC-GT. GRCh37 (hg19) VCF-style: chr5-150646326-TC-GT.
Other names: c.278_279delinsGT, p.Leu93Arg (NM_001167607.3); short protein forms L93R.
Identifiers: ClinVar variation 1349635 (VCV001349635.8), dbSNP rs2127240636, ClinGen allele CA2573139324.

ClinVar aggregate classification (germline): Uncertain significance (1 of 4 stars; one submission).

Conditions:
Tay-Sachs disease, variant AB. Also called: GM2 Activator Deficiency; Gm2-gangliosidosis, ab variant. Identifiers: Orphanet 309246, MedGen C0268275, MONDO:0010099, OMIM 272750.

Submission:

Labcorp Genetics (formerly Invitae), Labcorp
Classification: Uncertain significance for Tay-Sachs disease, variant AB. Last evaluated: 2022-03-03. Review status: criteria provided, single submitter. Criteria: Invitae Variant Classification Sherloc (09022015). Collection method: clinical testing. Allele origin: germline.
Comment: This sequence change replaces leucine, which is neutral and non-polar, with arginine, which is basic and polar, at codon 93 of the GM2A protein (p.Leu93Arg). Information on the frequency of this variant in the gnomAD database is not available, as this variant may be reported differently in the database. In summary, the available evidence is currently insufficient to determine the role of this variant in disease. Therefore, it has been classified as a Variant of Uncertain Significance. Algorithms developed to predict the effect of missense changes on protein structure and function are either unavailable or do not agree on the potential impact of this missense change (SIFT: "Not Available"; PolyPhen-2: "Possibly Damaging"; Align-GVGD: "Not Available"). This variant has not been reported in the literature in individuals affected with GM2A-related conditions.